The following is an entry in ClinVar:

NM_004006.3(DMD):c.1394C>A (p.Thr465Lys)

Gene: DMD (dystrophin; minus strand). Cytogenetic location: Xp21.1.
Variant type: single nucleotide variant.
Coding change: c.1394C>A on transcript NM_004006.3 (MANE Select); coding-DNA position 1394, C replaced by A.
Protein change: p.Thr465Lys; replaces threonine 465 with lysine.
Molecular consequence: missense variant.
Genome position (GRCh38, 1-based): chrX:32,614,391, G>T on the plus strand (C>A on the coding strand, the complement: DMD is on the minus strand). VCF-style: chrX-32614391-G-T. GRCh37 (hg19) VCF-style: chrX-32632508-G-T.
Other names: c.1370C>A, p.Thr457Lys (NM_000109.4); c.1382C>A, p.Thr461Lys (NM_004009.3); c.1025C>A, p.Thr342Lys (NM_004010.3); short protein forms T465K, T457K, T342K, T461K.
Identifiers: ClinVar variation 4613978 (VCV004613978.1).

ClinVar aggregate classification (germline): Uncertain significance (1 of 4 stars; one submission).

Conditions:
Cardiovascular phenotype. Identifiers: MedGen CN230736.

Submission:

Ambry Genetics
Classification: Uncertain significance for Cardiovascular phenotype. Last evaluated: 2025-11-21. Review status: criteria provided, single submitter. Criteria: Ambry Variant Classification Scheme 2023. Collection method: clinical testing. Allele origin: germline.
Comment: The p.T465K variant (also known as c.1394C>A), located in coding exon 12 of the DMD gene, results from a C to A substitution at nucleotide position 1394. The threonine at codon 465 is replaced by lysine, an amino acid with similar properties. This amino acid position is well conserved in available vertebrate species. In addition, this alteration is predicted to be tolerated by in silico analysis. Based on the available evidence, the clinical significance of this variant remains unclear.